The following is an entry in ClinVar:

NM_001144013.2(RGPD3):c.2409A>T (p.Arg803=)

Gene: RGPD3 (RANBP2 like and GRIP domain containing 3; minus strand). Cytogenetic location: 2q12.2.
Variant type: single nucleotide variant.
Coding change: c.2409A>T on transcript NM_001144013.2 (MANE Select); coding-DNA position 2409, A replaced by T.
Protein change: p.Arg803=; no amino-acid change (arginine 803 retained).
Molecular consequence: synonymous variant.
Genome position (GRCh38, 1-based): chr2:106,432,995, T>A on the plus strand (A>T on the coding strand, the complement: RGPD3 is on the minus strand). VCF-style: chr2-106432995-T-A. GRCh37 (hg19) VCF-style: chr2-107049451-T-A.
Identifiers: ClinVar variation 2651233 (VCV002651233.24), dbSNP rs2467344467, ClinGen allele CA428196582.

ClinVar aggregate classification (germline): Likely benign (1 of 4 stars; one submission).

Submission:

CeGaT Center for Human Genetics Tuebingen
Classification: Likely benign. Last evaluated: 2023-03-01. Review status: criteria provided, single submitter. Criteria: CeGaT Center For Human Genetics Tuebingen Variant Classification Criteria Version 2. Collection method: clinical testing. Allele origin: germline. Affected: yes. Observed: 1 variant allele.
Comment: RGPD3: PM2:Supporting, BP4, BP7